The following is an entry in ClinVar:

ClinVar aggregate classification (germline): Uncertain significance. Review status: criteria provided, multiple submitters, no conflicts (2 of 4 stars). 2 submissions from 2 submitters: Uncertain significance (2). Last evaluated 2023-12-11.

Conditions:
Inborn genetic diseases. Identifiers: MedGen C0950123, MeSH D030342.

Allele frequency attached by ClinVar (database versions not stated): TOPMed 0.00001.
gnomAD v4.1: 2 of 1,614,188 alleles (0.00012%); highest among the groups gnomAD compares: Non-Finnish European, 0.00017%; no homozygotes.

Submissions (2):

Labcorp Genetics (formerly Invitae), Labcorp
Classification: Uncertain significance. Last evaluated: 2023-12-11. Review status: criteria provided, single submitter. Criteria: Invitae Variant Classification Sherloc (09022015). Collection method: clinical testing. Allele origin: germline.
Comment: This sequence change replaces alanine, which is neutral and non-polar, with threonine, which is neutral and polar, at codon 2005 of the NBAS protein (p.Ala2005Thr). This variant is not present in population databases (gnomAD no frequency). This variant has not been reported in the literature in individuals affected with NBAS-related conditions. ClinVar contains an entry for this variant (Variation ID: 1974243). Advanced modeling of protein sequence and biophysical properties (such as structural, functional, and spatial information, amino acid conservation, physicochemical variation, residue mobility, and thermodynamic stability) performed at Invitae indicates that this missense variant is not expected to disrupt NBAS protein function with a negative predictive value of 95%. In summary, the available evidence is currently insufficient to determine the role of this variant in disease. Therefore, it has been classified as a Variant of Uncertain Significance.

Ambry Genetics
Classification: Uncertain significance for Inborn genetic diseases. Last evaluated: 2022-09-29. Review status: criteria provided, single submitter. Criteria: Ambry Variant Classification Scheme 2023. Collection method: clinical testing. Allele origin: germline.

NM_015909.4(NBAS):c.6013G>A (p.Ala2005Thr)

Gene: NBAS (NBAS subunit of NRZ tethering complex; minus strand). Cytogenetic location: 2p24.3.
Variant type: single nucleotide variant.
Coding change: c.6013G>A on transcript NM_015909.4 (MANE Select); coding-DNA position 6013, G replaced by A.
Protein change: p.Ala2005Thr; replaces alanine 2005 with threonine.
Molecular consequence: missense variant. On other transcripts: non-coding transcript variant (1).
Genome position (GRCh38, 1-based): chr2:15,234,678, C>T on the plus strand (G>A on the coding strand, the complement: NBAS is on the minus strand). VCF-style: chr2-15234678-C-T. GRCh37 (hg19) VCF-style: chr2-15374802-C-T.
Other names: short protein forms A2005T.
Identifiers: ClinVar variation 1974243 (VCV001974243.5), dbSNP rs1422799539, ClinGen allele CA345888889.